The following is an entry in ClinVar:

ClinVar aggregate classification (somatic clinical impact): Tier I - Strong (1 of 4 stars; one submission).

Conditions:
Diffuse pediatric-type high-grade glioma, H3-wildtype and IDH-wildtype. Identifiers: MedGen C5669918, MONDO:0858939.

Submission:

Institute for Genomic Medicine (IGM) Clinical Laboratory, Nationwide Children's Hospital
Classification: Tier I - Strong for Diffuse pediatric-type high-grade glioma, H3-wildtype and IDH-wildtype. Assertion type: diagnostic. Clinical significance: supports diagnosis. Last evaluated: 2025-04-15. Review status: criteria provided, single submitter. Criteria: AMP/ASCO/CAP Guidelines, 2017. Collection method: clinical testing. Allele origin: somatic. Affected: yes.
Comment: Variant has Tier I (strong) clinical significance as a diagnostic inclusion criterion in diffuse pediatric-type high-grade glioma, H3-wildtype and IDH-wildtype, based on the following evidence: 1) Documented in one or more cancer databases (e.g., St. Jude Pecan, COSMIC, CIViC, OncoKB). 2) Appears in one or more well-established professional guidelines (e.g., World Health Organization [WHO]; National Comprehensive Cancer Network [NCCN]) as providing diagnostic, prognostic, or therapeutic information. 3) Information in the literature supports potential biologic effect of variant (PMIDs: 19915146, 19962665). 4) Diagnostic for a specific tumor type/classification based on well-powered studies with expert-level consensus (Evidence Level B; PMIDs: 24120142, 30333046, 30710203, 28912153, 28966033, 35332262).

Literature cited by the submitters: PubMed 19915146; PubMed 19962665; PubMed 24120142; PubMed 30333046; PubMed 30710203; PubMed 28912153; PubMed 28966033; PubMed 35332262.

NM_181523.3(PIK3R1):c.1310_1351del (p.Val437_His450del)

Gene: PIK3R1 (phosphoinositide-3-kinase regulatory subunit 1; plus strand). Cytogenetic location: 5q13.1.
Variant type: Deletion.
Coding change: c.1310_1351del on transcript NM_181523.3 (MANE Select); coding-DNA positions 1310 to 1351, 42 bases deleted.
Protein change: p.Val437_His450del.
Genome position (GRCh38, 1-based): chr5:68,293,719-68,293,760, 42 bases deleted; deleting any 42 consecutive bases within chr5:68,293,717-68,293,760 gives the same sequence; the c. name uses the placement nearest the transcript's 3' end. GRCh37 (hg19): chr5:67,589,547-67,589,588.
Other names: c.221_262del, p.Val74_His87del (NM_001242466.2); c.500_541del, p.Val167_His180del (NM_181504.4); c.410_451del, p.Val137_His150del (NM_181524.2).
Identifiers: ClinVar variation 4530390 (VCV004530390.1).